The following is an entry in ClinVar:

ClinVar aggregate classification (germline): Conflicting classifications of pathogenicity. Review status: criteria provided, conflicting classifications (1 of 4 stars). 9 submissions from 9 submitters: Uncertain significance (6); Likely benign (2). 1 of the submissions does not count toward it. Last evaluated 2025-01-30.

Conditions:
POLG-related disorder. Also called: POLG-Related Spectrum Disorders; POLG-related condition; POLG-Related Disorders. Identifiers: MedGen C4763519.
Inborn genetic diseases. Identifiers: MedGen C0950123, MeSH D030342.
Progressive external ophthalmoplegia with mitochondrial DNA deletions, autosomal dominant 1 (PEOA1). Also called: PROGRESSIVE EXTERNAL OPHTHALMOPLEGIA, AUTOSOMAL DOMINANT 1; Autosomal Dominant Progressive External Ophthalmoplegia (adPEO). Identifiers: MedGen C1834846, MONDO:0024528, OMIM 157640.
Progressive external ophthalmoplegia with mitochondrial DNA deletions, autosomal recessive 1 (PEOB1). Also called: Progressive external ophthalmoplegia, autosomal recessive 1; Autosomal Recessive Progressive External Ophthalmoplegia (arPEO). Identifiers: Orphanet 254886, MedGen C4225153, MONDO:0009783, OMIM 258450.
Progressive sclerosing poliodystrophy (MTDPS4A). Also called: NEURONAL DEGENERATION OF CHILDHOOD WITH LIVER DISEASE, PROGRESSIVE; Alpers Syndrome; ALPERS DIFFUSE DEGENERATION OF CEREBRAL GRAY MATTER WITH HEPATIC CIRRHOSIS; Mitochondrial DNA depletion syndrome 4A (Alpers type); Mitochondrial DNA Depletion Syndrome 4A; Alpers-Huttenlocher Syndrome. Identifiers: Orphanet 726, MedGen C0205710, MONDO:0008758, OMIM 203700.
Sensory ataxic neuropathy, dysarthria, and ophthalmoparesis (SANDO). Also called: Epilepsy, progressive myoclonic, type 5; SENSORY ATAXIC NEUROPATHY WITH MITOCHONDRIAL DNA DELETIONS, AUTOSOMAL RECESSIVE; Ataxia Neuropathy Spectrum (ANS); Sensory ataxic neuropathy-dysarthria-ophthalmoparesis syndrome. Identifiers: Orphanet 70595, MedGen C1843851, MONDO:0011835, OMIM 607459.
Mitochondrial DNA depletion syndrome 1. Also called: POLIP SYNDROME; POLYNEUROPATHY, OPHTHALMOPLEGIA, LEUKOENCEPHALOPATHY, AND INTESTINAL PSEUDOOBSTRUCTION; Mitochondrial Neurogastrointestinal Encephalopathy Disease; MITOCHONDRIAL NEUROGASTROINTESTINAL ENCEPHALOPATHY SYNDROME, TYMP-RELATED; MNGIE, TYMP-RELATED; Mitochondrial DNA Depletion Syndrome, MNGIE Form. Identifiers: Orphanet 298, MedGen C4551995, MONDO:0011283, OMIM 603041.
Mitochondrial DNA depletion syndrome 4b. Also called: MNGIE, POLG-RELATED; Mitochondrial Neurogastrointestinal Encephalopathy Disease, POLG-Related. Identifiers: Orphanet 298, MedGen C3150914, MONDO:0013350, OMIM 613662.

Allele frequency attached by ClinVar (database versions not stated): ExAC 0.00003; gnomAD exomes 0.00006 and 0.00020; gnomAD 0.00036 and 0.00037; TOPMed 0.00043.
gnomAD v4.1: 136 of 1,590,330 alleles (0.0086%); highest among the groups gnomAD compares: Admixed American, 0.18%; no homozygotes.

Submissions (9):

Labcorp Genetics (formerly Invitae), Labcorp
Classification: Uncertain significance for Progressive sclerosing poliodystrophy. Last evaluated: 2025-01-30. Review status: criteria provided, single submitter. Criteria: Invitae Variant Classification Sherloc (09022015). Collection method: clinical testing. Allele origin: germline.
Comment: This sequence change replaces glutamine, which is neutral and polar, with arginine, which is basic and polar, at codon 44 of the POLG protein (p.Gln44Arg). The frequency data for this variant in the population databases is considered unreliable, as metrics indicate poor data quality at this position in the gnomAD database. This variant has not been reported in the literature in individuals affected with POLG-related conditions. ClinVar contains an entry for this variant (Variation ID: 195177). Invitae Evidence Modeling of protein sequence and biophysical properties (such as structural, functional, and spatial information, amino acid conservation, physicochemical variation, residue mobility, and thermodynamic stability) indicates that this missense variant is not expected to disrupt POLG protein function with a negative predictive value of 95%. In summary, the available evidence is currently insufficient to determine the role of this variant in disease. Therefore, it has been classified as a Variant of Uncertain Significance.

Mayo Clinic Laboratories, Mayo Clinic
Classification: Uncertain significance. Last evaluated: 2024-08-09. Review status: criteria provided, single submitter. Criteria: ACMG Guidelines, 2015. Collection method: clinical testing. Allele origin: germline. Observed: 11 variant alleles.

Department of Pathology and Laboratory Medicine, Sinai Health System
Classification: Uncertain significance for Progressive external ophthalmoplegia with mitochondrial DNA deletions, autosomal dominant 1; Progressive sclerosing poliodystrophy; Progressive external ophthalmoplegia with mitochondrial DNA deletions, autosomal recessive 1; Mitochondrial DNA depletion syndrome 1; Sensory ataxic neuropathy, dysarthria, and ophthalmoparesis; Mitochondrial DNA depletion syndrome 4b. Last evaluated: 2023-05-31. Review status: criteria provided, single submitter. Criteria: ACMG Guidelines, 2015. Collection method: research. Allele origin: germline.

GeneDx
Classification: Likely benign. Last evaluated: 2021-03-05. Review status: criteria provided, single submitter. Criteria: GeneDx Variant Classification Process June 2021. Collection method: clinical testing. Allele origin: germline. Affected: yes.

Wong Mito Lab, Molecular and Human Genetics, Baylor College of Medicine
Classification: Likely benign for Progressive sclerosing poliodystrophy. Last evaluated: 2018-10-01. Review status: criteria provided, single submitter. Criteria: ACMG Guidelines, 2015. Collection method: clinical testing. Allele origin: germline.
Comment: The NM_002693.2:c.131A>G (NP_002684.1:p.Gln44Arg) [GRCH38: NC_000015.10:g.89333624T>C] variant in POLG gene is interpretated to be a Likely Benign based on ACMG guidelines (PMID: 25741868). This variant meets the following evidence codes reported in the ACMG-guideline. BP3:This variant results in inframe indel in repeats without known function. BP4:Computational evidence/predictors indicate no impact on the POLG structure, function, or protein-protein interaction. Based on the evidence criteria codes applied, the variant is suggested to be Likely Benign.

Baylor Genetics
Classification: Uncertain significance for Progressive sclerosing poliodystrophy. Last evaluated: 2018-03-22. Review status: criteria provided, single submitter. Criteria: ACMG Guidelines, 2015. Collection method: clinical testing. Allele origin: maternal. Affected: yes.
Comment: This variant was determined to be of uncertain significance according to ACMG Guidelines, 2015 [PMID:25741868].

Ambry Genetics
Classification: Uncertain significance for Inborn genetic diseases. Last evaluated: 2018-02-08. Review status: criteria provided, single submitter. Criteria: Ambry Variant Classification Scheme 2023. Collection method: clinical testing. Allele origin: germline.
Comment: The p.Q44R variant (also known as c.131A>G), located in coding exon 1 of the POLG gene, results from an A to G substitution at nucleotide position 131. The glutamine at codon 44 is replaced by arginine, an amino acid with highly similar properties. This amino acid position is not conserved on limited sequence alignment. In addition, this alteration is predicted to be tolerated by in silico analysis. Since supporting evidence is limited at this time, the clinical significance of this alteration remains unclear.

Eurofins Ntd Llc (ga)
Classification: Uncertain significance. Last evaluated: 2017-05-02. Review status: criteria provided, single submitter. Criteria: EGL Classification Definitions 2015. Collection method: clinical testing. Allele origin: germline. Observed: 3 variant alleles, 3 heterozygotes.

PreventionGenetics, part of Exact Sciences
Classification: Uncertain significance for POLG-related condition. Last evaluated: 2024-09-23. Review status: no assertion criteria provided. Collection method: clinical testing. Allele origin: germline. Not counted in ClinVar's aggregate classification.
Comment: The POLG c.131A>G variant is predicted to result in the amino acid substitution p.Gln44Arg. To our knowledge, this variant has not been reported in the literature. This variant is reported in 0.12% of alleles in individuals of Latino descent in gnomAD. Although we suspect that this variant may be benign, at this time, the clinical significance of this variant is uncertain due to the absence of conclusive functional and genetic evidence.

Literature cited by the submitters: PubMed 28480171 (cited by Mayo Clinic Laboratories, Mayo Clinic).

NM_002693.3(POLG):c.131A>G (p.Gln44Arg)

Genes: POLG (DNA polymerase gamma, catalytic subunit; minus strand), POLGARF (POLG alternative reading frame; minus strand). Cytogenetic location: 15q26.1.
Variant type: single nucleotide variant.
Coding change: c.131A>G on transcript NM_002693.3 (MANE Select); coding-DNA position 131, A replaced by G.
Protein change: p.Gln44Arg; replaces glutamine 44 with arginine.
Molecular consequence: missense variant.
Genome position (GRCh38, 1-based): chr15:89,333,624, T>C on the plus strand (A>G on the coding strand, the complement: POLG is on the minus strand). VCF-style: chr15-89333624-T-C. GRCh37 (hg19) VCF-style: chr15-89876855-T-C.
Other names: p.Gln44Arg; c.131A>G, p.Gln44Arg (NM_001126131.2); short protein forms Q44R.
Identifiers: ClinVar variation 195177 (VCV000195177.23), dbSNP rs757120802, ClinGen allele CA241477.
Genomic context (GRCh38, chr15:89,333,624, plus strand): 5'-GAGGATAGCACTTGCGGCTGCTGAGGCTGCTGTTGCTGCTGCTGCTGCTGCTGCTGCTGC[T>C]GCTGCCGCCGCCGCTGCCCGTCGCTGGGGTCGGACGCGGGGACGGAGCTGGAGACCCAGC-3'
Protein context (NP_002684.1, residues 34-54): DPSDGQRRRQ[Gln44Arg]QQQQQQQQQQ